The following is an entry in ClinVar:

NM_001190274.2(FBXO11):c.2359G>A (p.Ala787Thr)

Genes: FBXO11 (F-box protein 11; minus strand), MSH6 (mutS homolog 6; plus strand). Cytogenetic location: 2p16.3.
Variant type: single nucleotide variant.
Coding change: c.2359G>A on transcript NM_001190274.2 (MANE Select); coding-DNA position 2359, G replaced by A.
Protein change: p.Ala787Thr; replaces alanine 787 with threonine.
Molecular consequence: missense variant. On other transcripts: intron variant (6).
Genome position (GRCh38, 1-based): chr2:47,809,687, C>T on the plus strand (G>A on the coding strand, the complement: FBXO11 is on the minus strand). VCF-style: chr2-47809687-C-T. GRCh37 (hg19) VCF-style: chr2-48036826-C-T.
Other names: c.*44-312C>T (NM_001406809.1); c.*41-312C>T (NM_001406796.1, NM_001406811.1, NM_001406805.1 and 2 more transcripts); c.2107G>A, p.Ala703Thr (NM_001374325.1, NM_025133.4); short protein forms A703T, A787T.
Identifiers: ClinVar variation 3339601 (VCV003339601.1).
Genomic context (GRCh38, chr2:47,809,687, plus strand): 5'-CTAAAAATAAGCCTCCAAACCGGTTGTTAAAAATCTGATTGCCTTCTAGTGTTGCAGTTG[C>T]GTGATTTGTAATTTCAATACCTGAAGTAAAATTTACAAACAAGTAGATACATCACTTTAT-3'
Protein context (NP_001177203.1, residues 777-797): FAAGIEITNH[Ala787Thr]TATLEGNQIF

ClinVar aggregate classification (germline): Uncertain significance (1 of 4 stars; one submission).

gnomAD v4.1: 2 of 1,613,050 alleles (0.00012%); highest among the groups gnomAD compares: Non-Finnish European, 0.00017%; no homozygotes.

Submission:

Women's Health and Genetics/Laboratory Corporation of America, LabCorp
Classification: Uncertain significance. Last evaluated: 2024-06-26. Review status: criteria provided, single submitter. Criteria: LabCorp Variant Classification Summary - May 2015. Collection method: clinical testing. Allele origin: germline.
Comment: Variant summary: FBXO11 c.2359G>A (p.Ala787Thr) results in a non-conservative amino acid change in the encoded protein sequence. Four of four in-silico tools predict a damaging effect of the variant on protein function. The variant was absent in 250656 control chromosomes. The available data on variant occurrences in the general population are insufficient to allow any conclusion about variant significance. To our knowledge, no occurrence of c.2359G>A in individuals affected with Intellectual Developmental Disorder With Dysmorphic Facies And Behavioral Abnormalities and no experimental evidence demonstrating its impact on protein function have been reported. No submitters have cited clinical-significance assessments for this variant to ClinVar. Based on the evidence outlined above, the variant was classified as uncertain significance.